The following is an entry in ClinVar:

ClinVar aggregate classification (germline): Uncertain significance (1 of 4 stars; one submission).

Conditions:
Nemaline myopathy 2 (NEM2). Also called: Nemaline myopathy 2, autosomal recessive. Identifiers: MedGen C1850569, MONDO:0009725, OMIM 256030.

Submission:

Labcorp Genetics (formerly Invitae), Labcorp
Classification: Uncertain significance for Nemaline myopathy 2. Last evaluated: 2025-02-06. Review status: criteria provided, single submitter. Criteria: Invitae Variant Classification Sherloc (09022015). Collection method: clinical testing. Allele origin: germline.
Comment: This sequence change replaces glutamic acid, which is acidic and polar, with lysine, which is basic and polar, at codon 5991 of the NEB protein (p.Glu5991Lys). This variant is not present in population databases (gnomAD no frequency). This variant has not been reported in the literature in individuals affected with NEB-related conditions. An algorithm developed to predict the effect of missense changes on protein structure and function outputs the following: PolyPhen-2: "Not Available". The lysine amino acid residue is found in multiple mammalian species, which suggests that this missense change does not adversely affect protein function. In summary, the available evidence is currently insufficient to determine the role of this variant in disease. Therefore, it has been classified as a Variant of Uncertain Significance.

NM_001164508.2(NEB):c.17971G>A (p.Glu5991Lys)

Gene: NEB (nebulin; minus strand). Cytogenetic location: 2q23.3.
Variant type: single nucleotide variant.
Coding change: c.17971G>A on transcript NM_001164508.2 (MANE Select); coding-DNA position 17971, G replaced by A.
Protein change: p.Glu5991Lys; replaces glutamic acid 5991 with lysine.
Molecular consequence: missense variant.
Genome position (GRCh38, 1-based): chr2:151,567,353, C>T on the plus strand (G>A on the coding strand, the complement: NEB is on the minus strand). VCF-style: chr2-151567353-C-T. GRCh37 (hg19) VCF-style: chr2-152423867-C-T.
Other names: c.17971G>A, p.Glu5991Lys (NM_001164507.2, NM_001271208.2); c.12868G>A, p.Glu4290Lys (NM_004543.5); short protein forms E4290K, E5991K.
Identifiers: ClinVar variation 4749334 (VCV004749334.1).